The following is an entry in ClinVar:

ClinVar aggregate classification (germline): Uncertain significance (1 of 4 stars; one submission).

Allele frequency attached by ClinVar (database versions not stated): ExAC 0.00001.
gnomAD v4.1: 50 of 1,614,200 alleles (0.0031%); highest among the groups gnomAD compares: Middle Eastern, 0.016%; no homozygotes.

Submission:

Labcorp Genetics (formerly Invitae), Labcorp
Classification: Uncertain significance. Last evaluated: 2023-01-16. Review status: criteria provided, single submitter. Criteria: Invitae Variant Classification Sherloc (09022015). Collection method: clinical testing. Allele origin: germline.
Comment: In summary, the available evidence is currently insufficient to determine the role of this variant in disease. Therefore, it has been classified as a Variant of Uncertain Significance. Algorithms developed to predict the effect of missense changes on protein structure and function (SIFT, PolyPhen-2, Align-GVGD) all suggest that this variant is likely to be tolerated. This variant has not been reported in the literature in individuals affected with REST-related conditions. This variant is present in population databases (rs766383284, gnomAD 0.003%). This sequence change replaces proline, which is neutral and non-polar, with histidine, which is basic and polar, at codon 975 of the REST protein (p.Pro975His).

NM_005612.5(REST):c.2924C>A (p.Pro975His)

Gene: REST (RE1 silencing transcription factor; plus strand). Cytogenetic location: 4q12.
Variant type: single nucleotide variant.
Coding change: c.2924C>A on transcript NM_005612.5 (MANE Select); coding-DNA position 2924, C replaced by A.
Protein change: p.Pro975His; replaces proline 975 with histidine.
Molecular consequence: missense variant.
Genome position (GRCh38, 1-based): chr4:56,931,782, C>A. VCF-style: chr4-56931782-C-A. GRCh37 (hg19) VCF-style: chr4-57797948-C-A.
Other names: c.2924C>A, p.Pro975His (NM_001193508.2, NM_001363453.3); short protein forms P975H.
Identifiers: ClinVar variation 2888765 (VCV002888765.3), dbSNP rs766383284, ClinGen allele CA2932584.
Genomic context (GRCh38, chr4:56,931,782, plus strand): 5'-CAAGAGAGAATCTCACTGGTATAAATTCAACAGTTGAAGAACCAGTTTCACCAATGCTTC[C>A]CCCTTCAGCAGTAGAAGAACGTGAAGCAGTGTCCAAAACTGCACTGGCATCACCTCCTGC-3'
Protein context (NP_005603.3, residues 965-985): TVEEPVSPML[Pro975His]PSAVEEREAV